The following is an entry in ClinVar:

ClinVar aggregate classification (germline): Pathogenic. Review status: criteria provided, multiple submitters, no conflicts (2 of 4 stars). 2 submissions from 2 submitters: Pathogenic (2). Last evaluated 2025-05-01.

Conditions:
Hereditary spherocytosis type 1. Also called: Spherocytosis type 1; ANK1-Related Spherocytosis. Identifiers: Orphanet 822, MedGen C2674218, MONDO:0008447, OMIM 182900.

Submissions (2):

CeGaT Center for Human Genetics Tuebingen
Classification: Pathogenic. Last evaluated: 2025-05-01. Review status: criteria provided, single submitter. Criteria: CeGaT Center For Human Genetics Tuebingen Variant Classification Criteria Version 2. Collection method: clinical testing. Allele origin: germline. Affected: yes. Observed: 1 variant allele.
Comment: ANK1: PVS1, PM2

ARUP Laboratories, Molecular Genetics and Genomics, ARUP Laboratories
Classification: Pathogenic for Hereditary spherocytosis type 1. Last evaluated: 2020-01-13. Review status: criteria provided, single submitter. Criteria: ARUP Molecular Germline Variant Investigation Process. Collection method: clinical testing. Allele origin: germline.

NM_000037.4(ANK1):c.1891G>T (p.Glu631Ter)

Gene: ANK1 (ankyrin 1; minus strand). Cytogenetic location: 8p11.21.
Variant type: single nucleotide variant.
Coding change: c.1891G>T on transcript NM_000037.4 (MANE Select); coding-DNA position 1891, G replaced by T.
Protein change: p.Glu631Ter; replaces glutamic acid 631 with a stop codon.
Molecular consequence: nonsense.
Genome position (GRCh38, 1-based): chr8:41,708,885, C>A on the plus strand (G>T on the coding strand, the complement: ANK1 is on the minus strand). VCF-style: chr8-41708885-C-A. GRCh37 (hg19) VCF-style: chr8-41566403-C-A.
Other names: c.1990G>T, p.Glu664Ter (NM_001142446.2); c.1891G>T, p.Glu631Ter (NM_020475.3, NM_020476.3, NM_020477.3); short protein forms E631*, E664*.
Identifiers: ClinVar variation 993881 (VCV000993881.18), dbSNP rs1825406258, ClinGen allele CA371067910.